The following is an entry in ClinVar:

NM_173348.2(FAM149B1):c.660C>T (p.Ile220=)

Gene: FAM149B1 (family with sequence similarity 149 member B1; plus strand). Cytogenetic location: 10q22.2.
Variant type: single nucleotide variant.
Coding change: c.660C>T on transcript NM_173348.2 (MANE Select); coding-DNA position 660, C replaced by T.
Protein change: p.Ile220=; no amino-acid change (isoleucine 220 retained).
Molecular consequence: synonymous variant.
Genome position (GRCh38, 1-based): chr10:73,208,736, C>T. VCF-style: chr10-73208736-C-T. GRCh37 (hg19) VCF-style: chr10-74968494-C-T.
Identifiers: ClinVar variation 4981603 (VCV004981603.1).
Genomic context (GRCh38, chr10:73,208,736, plus strand): 5'-TTCCATTGCCAAATCCTCCAGCTTTTGTTCTATGGAAAGAGATGAGGAAGACTCTATAAT[C>T]GTCTCAGAAGGAATAATTGAGGAATACCTAGCATTCGATCACATAGATATGTGAGTATTA-3'
Protein context (NP_775483.1, residues 210-230): SMERDEEDSI[Ile220=]VSEGIIEEYL

ClinVar aggregate classification (germline): Likely benign (1 of 4 stars; one submission).

Conditions:
FAM149B1-related disorder. Also called: FAM149B1-related condition.

gnomAD v4.1: 77 of 1,542,810 alleles (0.005%); highest among the groups gnomAD compares: African/African-American, 0.089%; no homozygotes.

Submission:

PreventionGenetics, part of Exact Sciences
Classification: Likely benign for FAM149B1-related condition. Last evaluated: 2026-05-14. Review status: criteria provided, single submitter. Criteria: ACMG Guidelines, 2015. Collection method: clinical testing. Allele origin: germline.
Comment: This variant is classified as likely benign based on ACMG/AMP sequence variant interpretation guidelines (Richards et al. 2015 PMID: 25741868, with internal and published modifications).